The following is an entry in ClinVar:

ClinVar aggregate classification (germline): Benign. Review status: reviewed by expert panel (3 of 4 stars). 8 submissions from 8 submitters: Benign (1). 7 of the submissions do not count toward it. Last evaluated 2023-12-06.

Conditions:
UBE3A-related disorder. Also called: UBE3A-related condition.
Angelman syndrome (AS). Also called: HAPPY PUPPET SYNDROME. Identifiers: Orphanet 72, MedGen C0162635, MONDO:0007113, OMIM 105830. Disease mechanism: loss of function. Inheritance: AS is caused by disruption of maternally imprinted UBE3A located within the 15q11.2-q13 Angelman syndrome/Prader-Willi syndrome (AS/PWS) region., imprinting disorder.

Allele frequency attached by ClinVar (database versions not stated): gnomAD 0.00007; gnomAD exomes 0.00010 and 0.00026; TOPMed 0.00010; ExAC 0.00012; ESP Exome Variant Server 0.00015.
gnomAD v4.1: 385 of 1,613,348 alleles (0.024%); highest among the groups gnomAD compares: Non-Finnish European, 0.032%; no homozygotes.

Submissions (8):

ClinGen Rett and Angelman-like Disorders Variant Curation Expert Panel
Classification: Benign for Angelman syndrome. Last evaluated: 2023-12-06. Review status: reviewed by expert panel. Criteria: ClinGen RettAS ACMG Specifications UBE3A V4.0.0. Collection method: curation. Allele origin: germline. Inheritance: Autosomal dominant inheritance.
Comment: The allele frequency of The p.Lys679Thr variant in UBE3A (NM_130838.2) is 0.03187% in European (non-Finnish) sub population in gnomAD v4, which is high enough to be classified as benign based on thresholds defined by the ClinGen Rett/Angelman-like Expert Panel for Rett/AS-like conditions (BA1). In summary, the p.Lys679Thr variant in UBE3A (NM_130838.2) is classified as benign based on the ACMG/AMP criteria (BA1, BP5).

Labcorp Genetics (formerly Invitae), Labcorp
Classification: Uncertain significance for Angelman syndrome. Last evaluated: 2026-02-03. Review status: criteria provided, single submitter. Criteria: Invitae Variant Classification Sherloc (09022015). Collection method: clinical testing. Allele origin: germline. Not counted in ClinVar's aggregate classification.
Comment: This sequence change replaces lysine, which is basic and polar, with threonine, which is neutral and polar, at codon 679 of the UBE3A protein (p.Lys679Thr). This variant is present in population databases (rs202161423, gnomAD 0.02%). This variant has not been reported in the literature in individuals affected with UBE3A-related conditions. ClinVar contains an entry for this variant (Variation ID: 156144). Invitae Evidence Modeling of protein sequence and biophysical properties (such as structural, functional, and spatial information, amino acid conservation, physicochemical variation, residue mobility, and thermodynamic stability) indicates that this missense variant is not expected to disrupt UBE3A protein function with a negative predictive value of 80%. In summary, the available evidence is currently insufficient to determine the role of this variant in disease. Therefore, it has been classified as a Variant of Uncertain Significance.

Blueprint Genetics
Classification: Likely benign. Last evaluated: 2024-08-29. Review status: criteria provided, single submitter. Criteria: ACMG Guidelines, 2015. Collection method: clinical testing. Allele origin: germline. Not counted in ClinVar's aggregate classification.

CeGaT Center for Human Genetics Tuebingen
Classification: Uncertain significance. Last evaluated: 2023-08-01. Review status: criteria provided, single submitter. Criteria: CeGaT Center For Human Genetics Tuebingen Variant Classification Criteria Version 2. Collection method: clinical testing. Allele origin: germline. Affected: yes. Observed: 1 variant allele. Not counted in ClinVar's aggregate classification.

GeneDx
Classification: Likely benign. Last evaluated: 2021-02-03. Review status: criteria provided, single submitter. Criteria: GeneDx Variant Classification Process June 2021. Collection method: clinical testing. Allele origin: germline. Affected: yes. Not counted in ClinVar's aggregate classification.
Comment: This variant is associated with the following publications: (PMID: 25212744)

Genetic Services Laboratory, University of Chicago
Classification: Uncertain significance. Last evaluated: 2015-02-12. Review status: criteria provided, single submitter. Criteria: ACMG Guidelines, 2015. Collection method: clinical testing. Allele origin: germline. Not counted in ClinVar's aggregate classification.

PreventionGenetics, part of Exact Sciences
Classification: Likely benign for UBE3A-related condition. Last evaluated: 2022-11-15. Review status: no assertion criteria provided. Collection method: clinical testing. Allele origin: germline. Not counted in ClinVar's aggregate classification.
Comment: This variant is classified as likely benign based on ACMG/AMP sequence variant interpretation guidelines (Richards et al. 2015 PMID: 25741868, with internal and published modifications).

Baylor Genetics
Classification: Uncertain significance for Angelman syndrome. Last evaluated: 2014-02-14. Review status: no assertion criteria provided. Collection method: clinical testing. Allele origin: paternal. Affected: yes. Observed: 1 variant allele. Study: UBE3A Mutation Study. Not counted in ClinVar's aggregate classification.
Comment: possible diagnosis of Angelman syndrome

Data collected from clinical UBE3A sequence analysis results

Literature cited by the submitters: PubMed 25212744 (cited by Baylor Genetics).

NM_130839.5(UBE3A):c.2096A>C (p.Lys699Thr)

Genes: SNHG14 (small nucleolar RNA host gene 14; plus strand), UBE3A (ubiquitin protein ligase E3A; minus strand). Cytogenetic location: 15q11.2.
Variant type: single nucleotide variant.
Coding change: c.2096A>C on transcript NM_130839.5 (MANE Select); coding-DNA position 2096, A replaced by C.
Protein change: p.Lys699Thr; replaces lysine 699 with threonine.
Molecular consequence: missense variant. On other transcripts: non-coding transcript variant (1), intron variant (1).
Genome position (GRCh38, 1-based): chr15:25,355,920, T>G on the plus strand (A>C on the coding strand, the complement: UBE3A is on the minus strand). VCF-style: chr15-25355920-T-G. GRCh37 (hg19) VCF-style: chr15-25601067-T-G.
Other names: p.K699T:AAA>ACA; NM_130839.5(UBE3A):c.2096A>C; p.Lys699Thr; c.2105A>C, p.Lys702Thr (NM_000462.5); c.2096A>C, p.Lys699Thr (NM_001354505.1, NM_001354538.2, NM_001354545.2); c.2036A>C, p.Lys679Thr (NM_001354506.2, NM_001354507.2, NM_001354508.2 and 16 more transcripts); c.1919A>C, p.Lys640Thr (NM_001354546.2); c.845A>C, p.Lys282Thr (NM_001354550.2); and 2 more; short protein forms K679T, K699T, K262T, K282T, K640T, K702T.
Identifiers: ClinVar variation 156144 (VCV000156144.44), dbSNP rs202161423, ClinGen allele CA206151.